The following is an entry in ClinVar:

ClinVar aggregate classification (germline): Benign (1 of 4 stars; one submission).

Allele frequency attached by ClinVar (database versions not stated): gnomAD 0.01517 and 0.01617; TOPMed 0.01727; 1000 Genomes Project 0.01957; 1000 Genomes Project 30x 0.02077.
gnomAD v4.1: 2,285 of 152,300 alleles (1.5%); highest among the groups gnomAD compares: African/African-American, 5.2%; 55 homozygotes.

Submission:

GeneDx
Classification: Benign. Last evaluated: 2018-06-18. Review status: criteria provided, single submitter. Criteria: GeneDx Variant Classification (06012015). Collection method: clinical testing. Allele origin: germline. Affected: yes.
Comment: This variant is considered likely benign or benign based on one or more of the following criteria: it is a conservative change, it occurs at a poorly conserved position in the protein, it is predicted to be benign by multiple in silico algorithms, and/or has population frequency not consistent with disease.

NM_000551.4(VHL):c.464-153C>G

Genes: VHL (von Hippel-Lindau tumor suppressor; plus strand), LOC107303340 (3p25 von Hippel-Lindau tumor suppressor, E3 ubiquitin protein ligase Alu-mediated recombination region; plus strand). Cytogenetic location: 3p25.3.
Variant type: single nucleotide variant.
Coding change: c.464-153C>G on transcript NM_000551.4 (MANE Select); 153 bases into the intron before coding-DNA position 464, C replaced by G.
Molecular consequence: intron variant.
Genome position (GRCh38, 1-based): chr3:10,149,634, C>G. VCF-style: chr3-10149634-C-G. GRCh37 (hg19) VCF-style: chr3-10191318-C-G.
Other names: c.*18-153C>G (NM_001354723.2); c.341-153C>G (NM_198156.3).
Identifiers: ClinVar variation 677861 (VCV000677861.1), dbSNP rs112857191, ClinGen allele CA70051974.